The following is an entry in ClinVar:

ClinVar aggregate classification (germline): Likely benign (0 of 4 stars; one submission).

Conditions:
AKR1D1-related disorder. Also called: AKR1D1-related condition.

gnomAD v4.1: 1 of 1,608,090 alleles (0.000062%); highest among the groups gnomAD compares: Middle Eastern, 0.017%; no homozygotes.

Submission:

PreventionGenetics, part of Exact Sciences
Classification: Likely benign for AKR1D1-related condition. Last evaluated: 2024-04-22. Review status: no assertion criteria provided. Collection method: clinical testing. Allele origin: germline.
Comment: This variant is classified as likely benign based on ACMG/AMP sequence variant interpretation guidelines (Richards et al. 2015 PMID: 25741868, with internal and published modifications).

NM_005989.4(AKR1D1):c.232C>A (p.Arg78=)

Gene: AKR1D1 (aldo-keto reductase family 1 member D1; plus strand). Cytogenetic location: 7q33.
Variant type: single nucleotide variant.
Coding change: c.232C>A on transcript NM_005989.4 (MANE Select); coding-DNA position 232, C replaced by A.
Protein change: p.Arg78=; no amino-acid change (arginine 78 retained).
Molecular consequence: synonymous variant.
Genome position (GRCh38, 1-based): chr7:138,088,739, C>A. VCF-style: chr7-138088739-C-A. GRCh37 (hg19) VCF-style: chr7-137773485-C-A.
Other names: c.232C>A, p.Arg78= (NM_001190906.2, NM_001190907.2).
Identifiers: ClinVar variation 3355248 (VCV003355248.1).